The following continues an entry in ClinVar:

NM_001048174.2(MUTYH):c.1460C>T (p.Ser487Phe)

Gene: MUTYH. ClinVar aggregate classification (germline): Benign/Likely benign. Benign (14); Likely benign (4).

Submissions 26 to 29 of 29:

Genome Diagnostics Laboratory, Amsterdam University Medical Center
Classification: Benign. Review status: no assertion criteria provided. Collection method: clinical testing. Allele origin: germline. Affected: yes. Study: VKGL Data-share Consensus. Not counted in ClinVar's aggregate classification.

Joint Genome Diagnostic Labs from Nijmegen and Maastricht, Radboudumc and MUMC+
Classification: Likely benign. Review status: no assertion criteria provided. Collection method: clinical testing. Allele origin: germline. Affected: yes. Study: VKGL Data-share Consensus. Not counted in ClinVar's aggregate classification.

Laboratory of Diagnostic Genome Analysis, Leiden University Medical Center (LUMC)
Classification: Benign. Review status: no assertion criteria provided. Collection method: clinical testing. Allele origin: germline. Affected: yes. Study: VKGL Data-share Consensus. Not counted in ClinVar's aggregate classification.

Mayo Clinic Laboratories, Mayo Clinic
Classification: Benign. Review status: no assertion criteria provided. Collection method: clinical testing. Allele origin: unknown. Not counted in ClinVar's aggregate classification.

Literature cited by the submitters: PubMed 29484706 (cited by Quest Diagnostics Nichols Institute San Juan Capistrano); PubMed 30564557 (cited by Quest Diagnostics Nichols Institute San Juan Capistrano); PubMed 17524638 (cited by Quest Diagnostics Nichols Institute San Juan Capistrano); PubMed 12606733 (cited by Quest Diagnostics Nichols Institute San Juan Capistrano); PubMed 16408224 (cited by Quest Diagnostics Nichols Institute San Juan Capistrano); PubMed 16645203 (cited by Quest Diagnostics Nichols Institute San Juan Capistrano); PubMed 15034862 (cited by Quest Diagnostics Nichols Institute San Juan Capistrano); PubMed 12707038 (cited by Quest Diagnostics Nichols Institute San Juan Capistrano); PubMed 14991577 (cited by Quest Diagnostics Nichols Institute San Juan Capistrano); PubMed 11818965 (cited by Quest Diagnostics Nichols Institute San Juan Capistrano); PubMed 17949294 (cited by Quest Diagnostics Nichols Institute San Juan Capistrano); PubMed 17931073 (cited by Quest Diagnostics Nichols Institute San Juan Capistrano); PubMed 15943555 (cited by Quest Diagnostics Nichols Institute San Juan Capistrano); PubMed 16941501 (cited by Quest Diagnostics Nichols Institute San Juan Capistrano); PubMed 16774938 (cited by Quest Diagnostics Nichols Institute San Juan Capistrano); PubMed 17031395 (cited by Quest Diagnostics Nichols Institute San Juan Capistrano); PubMed 20848659 (cited by Quest Diagnostics Nichols Institute San Juan Capistrano); PubMed 25820570 (cited by Quest Diagnostics Nichols Institute San Juan Capistrano); PubMed 22297469 (cited by Quest Diagnostics Nichols Institute San Juan Capistrano); PubMed 23605219 (cited by Quest Diagnostics Nichols Institute San Juan Capistrano); PubMed 20618354 (cited by Quest Diagnostics Nichols Institute San Juan Capistrano); PubMed 19506731 (cited by Quest Diagnostics Nichols Institute San Juan Capistrano); PubMed 24728327 (cited by ITMI).